The following is an entry in ClinVar:

ClinVar aggregate classification (germline): Pathogenic (1 of 4 stars; one submission).

Conditions:
Leber congenital amaurosis 9 (LCA9). Also called: LCA9 Leber Congenital Amaurosis; LCA 9; Amaurosis congenita of Leber, type 9. Identifiers: Orphanet 65, MedGen C1837873, MONDO:0012056, OMIM 608553.

Submission:

Labcorp Genetics (formerly Invitae), Labcorp
Classification: Pathogenic for Leber congenital amaurosis 9. Last evaluated: 2023-08-07. Review status: criteria provided, single submitter. Criteria: Invitae Variant Classification Sherloc (09022015). Collection method: clinical testing. Allele origin: germline.
Comment: This premature translational stop signal has been observed in individual(s) with Leber congenital amaurosis (PMID: 22842231). This variant is not present in population databases (gnomAD no frequency). This sequence change creates a premature translational stop signal (p.Trp85*) in the NMNAT1 gene. It is expected to result in an absent or disrupted protein product. Loss-of-function variants in NMNAT1 are known to be pathogenic (PMID: 22842229). For these reasons, this variant has been classified as Pathogenic.

Literature cited by the submitters: PubMed 22842231; PubMed 22842229.

NM_022787.4(NMNAT1):c.254G>A (p.Trp85Ter)

Gene: NMNAT1 (nicotinamide nucleotide adenylyltransferase 1; plus strand). Cytogenetic location: 1p36.22.
Variant type: single nucleotide variant.
Coding change: c.254G>A on transcript NM_022787.4 (MANE Select); coding-DNA position 254, G replaced by A.
Protein change: p.Trp85Ter; replaces tryptophan 85 with a stop codon.
Molecular consequence: nonsense.
Genome position (GRCh38, 1-based): chr1:9,975,730, G>A. VCF-style: chr1-9975730-G-A. GRCh37 (hg19) VCF-style: chr1-10035788-G-A.
Other names: c.254G>A, p.Trp85Ter (NM_001297778.1, NM_001297779.2); short protein forms W85*.
Identifiers: ClinVar variation 2919586 (VCV002919586.3), dbSNP rs2522248595, ClinGen allele CA338685061.